The following is an entry in ClinVar:

NM_000038.6(APC):c.136-1428A>C

Gene: APC (APC regulator of WNT signaling pathway; plus strand). Cytogenetic location: 5q22.2.
Variant type: single nucleotide variant.
Coding change: c.136-1428A>C on transcript NM_000038.6 (MANE Select); 1428 bases into the intron before coding-DNA position 136, A replaced by C.
Molecular consequence: intron variant.
Genome position (GRCh38, 1-based): chr5:112,764,898, A>C. VCF-style: chr5-112764898-A-C. GRCh37 (hg19) VCF-style: chr5-112100595-A-C.
Other names: c.136-1428A>C (NM_001354895.2, NM_001127510.3, NM_001354896.2 and 2 more transcripts); c.166-1428A>C (NM_001354897.2, NM_001354902.2, NM_001127511.3); c.61-1428A>C (NM_001354898.2, NM_001354904.2); c.-900-1428A>C (NM_001354906.2); c.-42-1428A>C (NM_001354900.2, NM_001354901.2, NM_001354905.2).
Identifiers: ClinVar variation 82863 (VCV000082863.2), dbSNP rs2464807, ClinGen allele CA004481.

ClinVar aggregate classification (germline): other (0 of 4 stars; one submission).

Conditions:
Familial colorectal cancer. Identifiers: MedGen CN280943, MONDO:0023113. Disease mechanism: loss of function.

Allele frequency attached by ClinVar (database versions not stated): TOPMed 0.99605; gnomAD 0.99622 and 0.99654; 1000 Genomes Project 30x 0.99672; 1000 Genomes Project 0.99720.
gnomAD v4.1: 151,768 of 152,288 alleles (100%); highest among the groups gnomAD compares: Middle Eastern, 100%; 75,630 homozygotes.

Submission:

Systems Biology Platform Zhejiang California International NanoSystems Institute
Classification: other for Familial colorectal cancer. Review status: no assertion criteria provided. Collection method: not provided. Allele origin: unknown.
ClinVar note: Converted during submission from cancer to other.